The following is an entry in ClinVar:

ClinVar aggregate classification (germline): Uncertain significance (0 of 4 stars; one submission).

Conditions:
Prostate cancer. Also called: Malignant tumor of prostate. Identifiers: Orphanet 1331, MedGen C0376358, MONDO:0008315, HP:0012125.

Submission:

Science for Life laboratory,  Karolinska Institutet
Classification: Uncertain significance for Malignant tumor of prostate. Review status: no assertion criteria provided. Collection method: not provided. Allele origin: somatic.
Comment: TumorID:SWE-7
ClinVar note: Converted during submission from Unknown to Uncertain significance.

NM_032236.8(USP48):c.1243A>G (p.Met415Val)

Gene: USP48 (ubiquitin specific peptidase 48; minus strand). Cytogenetic location: 1p36.12.
Variant type: single nucleotide variant.
Coding change: c.1243A>G on transcript NM_032236.8 (MANE Select); coding-DNA position 1243, A replaced by G.
Protein change: p.Met415Val; replaces methionine 415 with valine.
Molecular consequence: missense variant.
Genome position (GRCh38, 1-based): chr1:21,729,761, T>C on the plus strand (A>G on the coding strand, the complement: USP48 is on the minus strand). VCF-style: chr1-21729761-T-C. GRCh37 (hg19) VCF-style: chr1-22056254-T-C.
Other names: c.1243A>G, p.Met415Val (NM_001032730.3, NM_001330394.3, NM_001350168.2); c.1240A>G, p.Met414Val (NM_001350164.2, NM_001350166.2, NM_001350167.2); short protein forms M415V, M414V.
Identifiers: ClinVar variation 161781 (VCV000161781.2), dbSNP rs193921025, ClinGen allele CA174773.